The following is an entry in ClinVar:

ClinVar aggregate classification (germline): Likely pathogenic. Review status: criteria provided, single submitter (1 of 4 stars). 3 submissions from 3 submitters: Likely pathogenic (1). 2 of the submissions do not count toward it.

Conditions:
Hyperinsulinemic hypoglycemia, familial, 1 (HHF1). Also called: HYPERINSULINISM, FAMILIAL, WITH PANCREATIC NESIDIOBLASTOSIS; HYPOGLYCEMIA, HYPERINSULINEMIC, OF INFANCY; NESIDIOBLASTOSIS OF PANCREAS; Persistent Hyperinsulinemia Hypoglycemia of Infancy; Persistent hyperinsulinemic hypoglycemia of infancy. Identifiers: Orphanet 276575, Orphanet 276598, MedGen C2931832, MONDO:0009734, OMIM 256450.

Submissions (3):

Juno Genomics, Hangzhou Juno Genomics, Inc
Classification: Likely pathogenic for Hyperinsulinemic hypoglycemia, familial, 1. Review status: criteria provided, single submitter. Criteria: ACMG Guidelines, 2015. Collection method: clinical testing. Allele origin: germline.
Comment: Absent from controls (or at extremely low frequency if recessive) in Genome Aggregation Database.;Multiple lines of computational evidence support a deleterious effect on the gene or gene product.;For recessive disorders, detected in trans with a pathogenic variant.;Patient's phenotype or family history is highly specific for a disease with a single genetic etiology.

OMIM
Classification: Pathogenic for HYPERINSULINEMIC HYPOGLYCEMIA, FAMILIAL, 1. Last evaluated: 1996-09-01. Review status: no assertion criteria provided. Collection method: literature only. Allele origin: germline. Not counted in ClinVar's aggregate classification.

Scientific Bio-Minds
No classification provided. Review status: no classification provided. Collection method: not provided. Allele origin: unknown. Not counted in ClinVar's aggregate classification.

Literature cited by the submitters: PubMed 8751851 (cited by OMIM).

NM_000352.6(ABCC8):c.2147G>T (p.Gly716Val)

Gene: ABCC8 (ATP binding cassette subfamily C member 8; minus strand). Cytogenetic location: 11p15.1.
Variant type: single nucleotide variant.
Coding change: c.2147G>T on transcript NM_000352.6 (MANE Select); coding-DNA position 2147, G replaced by T.
Protein change: p.Gly716Val; replaces glycine 716 with valine.
Molecular consequence: missense variant. On other transcripts: non-coding transcript variant (1).
Genome position (GRCh38, 1-based): chr11:17,427,124, C>A on the plus strand (G>T on the coding strand, the complement: ABCC8 is on the minus strand). VCF-style: chr11-17427124-C-A. GRCh37 (hg19) VCF-style: chr11-17448671-C-A.
Other names: c.2147G>T, p.Gly716Val (NM_001287174.3); c.2213G>T, p.Gly738Val (NM_001351295.2); c.2144G>T, p.Gly715Val (NM_001351296.2, NM_001351297.2); short protein forms G716V, G715V, G738V.
Identifiers: ClinVar variation 18449 (VCV000018449.4), dbSNP rs72559723, ClinGen allele CA220124.